The following is an entry in ClinVar:

ClinVar aggregate classification (germline): Uncertain significance (1 of 4 stars; one submission).

gnomAD v4.1: 7 of 1,614,094 alleles (0.00043%); highest among the groups gnomAD compares: Non-Finnish European, 0.00059%; no homozygotes.

Submission:

GeneDx
Classification: Uncertain significance. Last evaluated: 2017-05-04. Review status: criteria provided, single submitter. Criteria: GeneDx Variant Classification (06012015). Collection method: clinical testing. Allele origin: germline. Affected: yes.
Comment: The V102M variant in the MYH2 gene has not been reported previously as a pathogenic variant, nor as a benign variant, to our knowledge. The V102M variant is not observed in large population cohorts (Lek et al., 2016; 1000 Genomes Consortium et al., 2015; Exome Variant Server). The V102M variant is a conservative amino acid substitution, which is not likely to impact secondary protein structure as these residues share similar properties. However, this substitution occurs at a position that is conserved across species, and in silico analysis predicts this variant is probably damaging to the protein structure/function. We interpret V102M as a variant of uncertain significance.

NM_017534.6(MYH2):c.304G>A (p.Val102Met)

Genes: MYH2 (myosin heavy chain 2; minus strand), MYHAS (myosin heavy chain gene cluster antisense RNA; plus strand). Cytogenetic location: 17p13.1.
Variant type: single nucleotide variant.
Coding change: c.304G>A on transcript NM_017534.6 (MANE Select); coding-DNA position 304, G replaced by A.
Protein change: p.Val102Met; replaces valine 102 with methionine.
Molecular consequence: missense variant.
Genome position (GRCh38, 1-based): chr17:10,547,519, C>T on the plus strand (G>A on the coding strand, the complement: MYH2 is on the minus strand). VCF-style: chr17-10547519-C-T. GRCh37 (hg19) VCF-style: chr17-10450836-C-T.
Other names: c.304G>A, p.Val102Met (NM_001100112.2); short protein forms V102M.
Identifiers: ClinVar variation 429558 (VCV000429558.2), dbSNP rs1131691454, ClinGen allele CA398172516.